The following is an entry in ClinVar:

ClinVar aggregate classification (germline): Likely pathogenic (1 of 4 stars; one submission).

Conditions:
Nicolaides-Baraitser syndrome (NCBRS). Also called: Intellectual disability-sparse hair-brachydactyly syndrome; SMARCA2-Related Nicolaides-Baraitser Syndrome. Identifiers: Orphanet 3051, MedGen C1303073, MONDO:0011053, OMIM 601358.

Submission:

3billion
Classification: Likely pathogenic for Nicolaides-Baraitser syndrome. Last evaluated: 2024-02-05. Review status: criteria provided, single submitter. Criteria: ACMG Guidelines, 2015. Collection method: clinical testing. Allele origin: germline. Affected: yes.
Comment: The variant is not observed in the gnomAD v2.1.1 dataset. Predicted Consequence/Location: The variant is located in a mutational hot spot and/or well-established functional domain in which established pathogenic variants have been reported. Missense changes are a common disease-causing mechanism. In silico tool predictions suggest damaging effect of the variant on gene or gene product [REVEL: 0.93 (>=0.6, sensitivity 0.68 and specificity 0.92); 3Cnet: 0.82 (>=0.6, sensitivity 0.72 and precision 0.9)]. Therefore, this variant is classified as Likely pathogenic according to the recommendation of ACMG/AMP guideline.

NM_003070.5(SMARCA2):c.3506T>C (p.Val1169Ala)

Gene: SMARCA2 (SWI/SNF related BAF chromatin remodeling complex subunit ATPase 2; plus strand). Cytogenetic location: 9p24.3.
Variant type: single nucleotide variant.
Coding change: c.3506T>C on transcript NM_003070.5 (MANE Select); coding-DNA position 3506, T replaced by C.
Protein change: p.Val1169Ala; replaces valine 1169 with alanine.
Molecular consequence: missense variant.
Genome position (GRCh38, 1-based): chr9:2,115,871, T>C. VCF-style: chr9-2115871-T-C. GRCh37 (hg19) VCF-style: chr9-2115871-T-C.
Other names: c.3506T>C, p.Val1169Ala (NM_001289396.2, NM_139045.4); c.3332T>C, p.Val1111Ala (NM_001289397.2); short protein forms V1111A, V1169A.
Identifiers: ClinVar variation 3776099 (VCV003776099.1).
Genomic context (GRCh38, chr9:2,115,871, plus strand): 5'-CCCCCAAACAGGATCTGCAGGCCCAAGACCGAGCTCACCGCATCGGGCAGCAGAACGAGG[T>C]CCGGGTACTGAGGCTCTGTACCGTGAACAGCGTGGAGGAAAAGATCCTCGCGGCCGCAAA-3'
Protein context (NP_003061.3, residues 1159-1179): RAHRIGQQNE[Val1169Ala]RVLRLCTVNS